The following is an entry in ClinVar:

NM_006493.4(CLN5):c.38T>C (p.Met13Thr)

Genes: CLN5 (CLN5 lysosomal BMP synthase; plus strand), LOC130009913 (ATAC-STARR-seq lymphoblastoid silent region 5414; plus strand). Cytogenetic location: 13q22.3.
Variant type: single nucleotide variant.
Coding change: c.38T>C on transcript NM_006493.4 (MANE Select); coding-DNA position 38, T replaced by C.
Protein change: p.Met13Thr; replaces methionine 13 with threonine.
Molecular consequence: missense variant.
Genome position (GRCh38, 1-based): chr13:76,992,136, T>C. VCF-style: chr13-76992136-T-C. GRCh37 (hg19) VCF-style: chr13-77566271-T-C.
Other names: c.38T>C, p.Met13Thr (NM_001366624.2); short protein forms M13T.
Identifiers: ClinVar variation 1059886 (VCV001059886.9), dbSNP rs1007145426, ClinGen allele CA252175652.

ClinVar aggregate classification (germline): Uncertain significance (1 of 4 stars; one submission).

Conditions:
Neuronal ceroid lipofuscinosis. Also called: Neuronal Ceroid Lipofuscinoses. Identifiers: Orphanet 216, Orphanet 79263, MedGen C0027877, MONDO:0016295. Disease mechanism: loss of function.

Submission:

Labcorp Genetics (formerly Invitae), Labcorp
Classification: Uncertain significance for Neuronal ceroid lipofuscinosis. Last evaluated: 2020-09-23. Review status: criteria provided, single submitter. Criteria: Invitae Variant Classification Sherloc (09022015). Collection method: clinical testing. Allele origin: germline.
Comment: In summary, the available evidence is currently insufficient to determine the role of this variant in disease. Therefore, it has been classified as a Variant of Uncertain Significance. Algorithms developed to predict the effect of missense changes on protein structure and function (SIFT, PolyPhen-2, Align-GVGD) all suggest that this variant is likely to be tolerated, but these predictions have not been confirmed by published functional studies and their clinical significance is uncertain. This variant has not been reported in the literature in individuals with CLN5-related conditions. This variant is not present in population databases (ExAC no frequency). This sequence change replaces methionine with threonine at codon 62 of the CLN5 protein (p.Met62Thr). The methionine residue is weakly conserved and there is a moderate physicochemical difference between methionine and threonine.